The following is an entry in ClinVar:

ClinVar aggregate classification (germline): Benign (1 of 4 stars; one submission).

Allele frequency attached by ClinVar (database versions not stated): gnomAD 0.40341 and 0.41008; TOPMed 0.41837; 1000 Genomes Project 0.43570; 1000 Genomes Project 30x 0.44144.
gnomAD v4.1: 61,187 of 152,056 alleles (40%); highest among the groups gnomAD compares: African/African-American, 66%; 14,436 homozygotes.

Submission:

GeneDx
Classification: Benign. Last evaluated: 2018-06-19. Review status: criteria provided, single submitter. Criteria: GeneDx Variant Classification (06012015). Collection method: clinical testing. Allele origin: germline. Affected: yes.
Comment: This variant is considered likely benign or benign based on one or more of the following criteria: it is a conservative change, it occurs at a poorly conserved position in the protein, it is predicted to be benign by multiple in silico algorithms, and/or has population frequency not consistent with disease.

NM_003640.5(ELP1):c.2958+202T>C

Gene: ELP1 (elongator acetyltransferase complex subunit 1; minus strand). Cytogenetic location: 9q31.3.
Variant type: single nucleotide variant.
Coding change: c.2958+202T>C on transcript NM_003640.5 (MANE Select); 202 bases into the intron after coding-DNA position 2958, T replaced by C.
Molecular consequence: intron variant.
Genome position (GRCh38, 1-based): chr9:108,892,784, A>G on the plus strand (T>C on the coding strand, the complement: ELP1 is on the minus strand). VCF-style: chr9-108892784-A-G. GRCh37 (hg19) VCF-style: chr9-111655064-A-G.
Other names: c.2616+202T>C (NM_001318360.2); c.1911+202T>C (NM_001330749.2).
Identifiers: ClinVar variation 681914 (VCV000681914.1), dbSNP rs10816762, ClinGen allele CA13089006.